The following is an entry in ClinVar:

NM_153676.4(USH1C):c.496C>T (p.His166Tyr)

Gene: USH1C (USH1 protein network component harmonin; minus strand). Cytogenetic location: 11p15.1.
Variant type: single nucleotide variant.
Coding change: c.496C>T on transcript NM_153676.4 (MANE Select); coding-DNA position 496, C replaced by T.
Protein change: p.His166Tyr; replaces histidine 166 with tyrosine.
Molecular consequence: missense variant. On other transcripts: non-coding transcript variant (1).
Genome position (GRCh38, 1-based): chr11:17,527,223, G>A on the plus strand (C>T on the coding strand, the complement: USH1C is on the minus strand). VCF-style: chr11-17527223-G-A. GRCh37 (hg19) VCF-style: chr11-17548770-G-A.
Other names: c.496C>T, p.His166Tyr (NM_001297764.2, NM_005709.4); short protein forms H166Y.
Identifiers: ClinVar variation 303813 (VCV000303813.11), dbSNP rs367996370, ClinGen allele CA5905034.

ClinVar aggregate classification (germline): Uncertain significance. Review status: criteria provided, multiple submitters, no conflicts (2 of 4 stars). 4 submissions from 4 submitters: Uncertain significance (4). Last evaluated 2025-01-23.

Conditions:
Usher syndrome type 1C. Also called: USHER SYNDROME, TYPE I, ACADIAN VARIETY. Identifiers: Orphanet 231169, Orphanet 886, MedGen C1848604, MONDO:0010171, OMIM 276904.

Allele frequency attached by ClinVar (database versions not stated): ExAC 0.00001; TOPMed 0.00002; gnomAD 0.00003; gnomAD exomes 0.00003; ESP Exome Variant Server 0.00008.

Submissions (4):

GeneDx
Classification: Uncertain significance. Last evaluated: 2025-01-23. Review status: criteria provided, single submitter. Criteria: GeneDx Variant Classification Process June 2021. Collection method: clinical testing. Allele origin: germline. Affected: yes.
Comment: In silico analysis supports that this missense variant has a deleterious effect on protein structure/function; Has not been previously published as pathogenic or benign to our knowledge

Blueprint Genetics
Classification: Uncertain significance. Last evaluated: 2024-07-26. Review status: criteria provided, single submitter. Criteria: ACMG Guidelines, 2015. Collection method: clinical testing. Allele origin: germline.

Labcorp Genetics (formerly Invitae), Labcorp
Classification: Uncertain significance. Last evaluated: 2021-08-28. Review status: criteria provided, single submitter. Criteria: Invitae Variant Classification Sherloc (09022015). Collection method: clinical testing. Allele origin: germline.
Comment: This sequence change replaces histidine with tyrosine at codon 166 of the USH1C protein (p.His166Tyr). The histidine residue is highly conserved and there is a moderate physicochemical difference between histidine and tyrosine. This variant is present in population databases (rs367996370, ExAC 0.006%). This variant has not been reported in the literature in individuals affected with USH1C-related conditions. ClinVar contains an entry for this variant (Variation ID: 303813). Algorithms developed to predict the effect of missense changes on protein structure and function are either unavailable or do not agree on the potential impact of this missense change (SIFT: "Tolerated"; PolyPhen-2: "Possibly Damaging"; Align-GVGD: "Class C0"). Algorithms developed to predict the effect of sequence changes on RNA splicing suggest that this variant may disrupt the consensus splice site. In summary, the available evidence is currently insufficient to determine the role of this variant in disease. Therefore, it has been classified as a Variant of Uncertain Significance.

Illumina Laboratory Services, Illumina
Classification: Uncertain significance for Usher syndrome type 1C. Last evaluated: 2018-01-13. Review status: criteria provided, single submitter. Criteria: ICSL Variant Classification Criteria 13 December 2019. Collection method: clinical testing. Allele origin: germline.